The following is an entry in ClinVar:

ClinVar aggregate classification (germline): Uncertain significance. Review status: criteria provided, multiple submitters, no conflicts (2 of 4 stars). 3 submissions from 3 submitters: Uncertain significance (3). Last evaluated 2025-10-13.

Conditions:
Inborn genetic diseases. Identifiers: MedGen C0950123, MeSH D030342.

Allele frequency attached by ClinVar (database versions not stated): gnomAD 0.00004 and 0.00005; ExAC 0.00007; TOPMed 0.00011; 1000 Genomes Project 30x 0.00016; gnomAD exomes 0.00017; 1000 Genomes Project 0.00020.
gnomAD v4.1: 59 of 1,613,612 alleles (0.0037%); highest among the groups gnomAD compares: Admixed American, 0.092%; no homozygotes.

Submissions (3):

Labcorp Genetics (formerly Invitae), Labcorp
Classification: Uncertain significance. Last evaluated: 2025-10-13. Review status: criteria provided, single submitter. Criteria: Invitae Variant Classification Sherloc (09022015). Collection method: clinical testing. Allele origin: germline.
Comment: This sequence change replaces proline, which is neutral and non-polar, with serine, which is neutral and polar, at codon 642 of the ACO2 protein (p.Pro642Ser). This variant is present in population databases (rs556526295, gnomAD 0.1%). This variant has not been reported in the literature in individuals affected with ACO2-related conditions. ClinVar contains an entry for this variant (Variation ID: 1059325). Invitae Evidence Modeling of protein sequence and biophysical properties (such as structural, functional, and spatial information, amino acid conservation, physicochemical variation, residue mobility, and thermodynamic stability) indicates that this missense variant is not expected to disrupt ACO2 protein function with a negative predictive value of 80%. In summary, the available evidence is currently insufficient to determine the role of this variant in disease. Therefore, it has been classified as a Variant of Uncertain Significance.

Ambry Genetics
Classification: Uncertain significance for Inborn genetic diseases. Last evaluated: 2025-07-01. Review status: criteria provided, single submitter. Criteria: Ambry Variant Classification Scheme 2023. Collection method: clinical testing. Allele origin: germline.

Blueprint Genetics
Classification: Uncertain significance. Last evaluated: 2023-07-28. Review status: criteria provided, single submitter. Criteria: ACMG Guidelines, 2015. Collection method: clinical testing. Allele origin: germline.

NM_001098.3(ACO2):c.1924C>T (p.Pro642Ser)

Genes: ACO2 (aconitase 2; plus strand), POLR3H (RNA polymerase III subunit H; minus strand). Cytogenetic location: 22q13.2.
Variant type: single nucleotide variant.
Coding change: c.1924C>T on transcript NM_001098.3 (MANE Select); coding-DNA position 1924, C replaced by T.
Protein change: p.Pro642Ser; replaces proline 642 with serine.
Molecular consequence: missense variant. On other transcripts: 3 prime UTR variant (5).
Genome position (GRCh38, 1-based): chr22:41,526,424, C>T. VCF-style: chr22-41526424-C-T. GRCh37 (hg19) VCF-style: chr22-41922428-C-T.
Other names: c.*2859G>A (NM_001018050.4, NM_001018052.4, NM_001282884.2 and 2 more transcripts); short protein forms P642S.
Identifiers: ClinVar variation 1059325 (VCV001059325.10), dbSNP rs556526295, ClinGen allele CA10257808.